The following is an entry in ClinVar:

ClinVar aggregate classification (germline): Uncertain significance (1 of 4 stars; one submission).

Submission:

GeneDx
Classification: Uncertain significance. Last evaluated: 2025-05-09. Review status: criteria provided, single submitter. Criteria: GeneDx Variant Classification Process June 2021. Collection method: clinical testing. Allele origin: germline. Affected: yes.
Comment: Not observed at significant frequency in large population cohorts (gnomAD); In silico analysis supports that this missense variant has a deleterious effect on protein structure/function; In silico analysis supports a deleterious effect on splicing; Has not been previously published as pathogenic or benign to our knowledge

NM_000975.5(RPL11):c.397G>A (p.Val133Met)

Gene: RPL11 (ribosomal protein L11; plus strand). Cytogenetic location: 1p36.11.
Variant type: single nucleotide variant.
Coding change: c.397G>A on transcript NM_000975.5 (MANE Select); coding-DNA position 397, G replaced by A.
Protein change: p.Val133Met; replaces valine 133 with methionine.
Molecular consequence: missense variant.
Genome position (GRCh38, 1-based): chr1:23,695,798, G>A. VCF-style: chr1-23695798-G-A. GRCh37 (hg19) VCF-style: chr1-24022288-G-A.
Other names: c.394G>A, p.Val132Met (NM_001199802.1); short protein forms V132M, V133M.
Identifiers: ClinVar variation 4528232 (VCV004528232.1).